The following is an entry in ClinVar:

ClinVar aggregate classification (germline): Uncertain significance. Review status: criteria provided, multiple submitters, no conflicts (2 of 4 stars). 2 submissions from 2 submitters: Uncertain significance (2). Last evaluated 2026-07-17.

Conditions:
Hereditary cancer-predisposing syndrome. Also called: Tumor predisposition; Hereditary neoplastic syndrome; Neoplastic Syndromes, Hereditary; Hereditary Cancer Syndrome. Identifiers: Orphanet 140162, MedGen C0027672, MeSH D009386, MONDO:0015356.

Submissions (2):

Ambry Genetics
Classification: Uncertain significance for Hereditary cancer-predisposing syndrome. Last evaluated: 2026-07-17. Review status: criteria provided, single submitter. Criteria: Ambry Variant Classification Scheme 2023. Collection method: clinical testing. Allele origin: germline.
Comment: The p.R409G variant (also known as c.1225A>G), located in coding exon 12 of the POLE gene, results from an A to G substitution at nucleotide position 1225. The arginine at codon 409 is replaced by glycine, an amino acid with dissimilar properties. This amino acid position is highly conserved in available vertebrate species. In addition, the in silico prediction for this alteration is inconclusive. Based on the available evidence, the clinical significance of this variant remains unclear.

Sema4
Classification: Uncertain significance for Hereditary cancer-predisposing syndrome. Last evaluated: 2022-02-05. Review status: criteria provided, single submitter. Criteria: Sema4 Curation Guidelines. Collection method: curation. Allele origin: germline.
Comment: To the best of our knowledge, the POLE c.1225A>G (p.R409G) variant has not been reported in individuals with POLE-related disease. It was not observed in the large and broad cohorts of the Genome Aggregation Database (PMID: 32461654). This variant has not been reported in ClinVar. Functional studies have not been performed, and in silico predictions of the variant's effect on protein function are inconclusive. The evidence is insufficient to meet ACMG/AMP criteria for classifying the variant as benign or pathogenic. Thus, the clinical significance of this variant is currently uncertain.

NM_006231.4(POLE):c.1225A>G (p.Arg409Gly)

Gene: POLE (DNA polymerase epsilon, catalytic subunit; minus strand). Cytogenetic location: 12q24.33.
Variant type: single nucleotide variant.
Coding change: c.1225A>G on transcript NM_006231.4 (MANE Select); coding-DNA position 1225, A replaced by G.
Protein change: p.Arg409Gly; replaces arginine 409 with glycine.
Molecular consequence: missense variant.
Genome position (GRCh38, 1-based): chr12:132,675,399, T>C on the plus strand (A>G on the coding strand, the complement: POLE is on the minus strand). VCF-style: chr12-132675399-T-C. GRCh37 (hg19) VCF-style: chr12-133251985-T-C.
Other names: c.1225A>G (NM_006231.2); short protein forms R409G.
Identifiers: ClinVar variation 1692912 (VCV001692912.2), dbSNP rs2136008293, ClinGen allele CA387360642.